The following is an entry in ClinVar:

ClinVar aggregate classification (germline): Uncertain significance. Review status: criteria provided, multiple submitters, no conflicts (2 of 4 stars). 2 submissions from 2 submitters: Uncertain significance (2). Last evaluated 2024-07-15.

Conditions:
Interstitial lung disease due to ABCA3 deficiency. Also called: PULMONARY ALVEOLAR PROTEINOSIS, CONGENITAL, 3. Identifiers: Orphanet 440402, MedGen C1970456, MONDO:0012582, OMIM 610921.

gnomAD v4.1: 14 of 1,613,968 alleles (0.00087%); highest among the groups gnomAD compares: Non-Finnish European, 0.0011%; no homozygotes.

Submissions (2):

Women's Health and Genetics/Laboratory Corporation of America, LabCorp
Classification: Uncertain significance. Last evaluated: 2024-07-15. Review status: criteria provided, single submitter. Criteria: LabCorp Variant Classification Summary - May 2015. Collection method: clinical testing. Allele origin: germline.
Comment: Variant summary: ABCA3 c.3796G>C (p.Glu1266Gln) results in a conservative amino acid change located in the ABC-2 type transporter, transmembrane domain (IPR013525) of the encoded protein sequence. Four of five in-silico tools predict a benign effect of the variant on protein function. The variant was absent in 251352 control chromosomes. The available data on variant occurrences in the general population are insufficient to allow any conclusion about variant significance. c.3796G>C has been reported in the literature as compound heterozygous genotype in an individual affected with Pulmonary surfactant metabolism dysfunction. These report(s) do not provide unequivocal conclusions about association of the variant with Pulmonary surfactant metabolism dysfunction. To our knowledge, no experimental evidence demonstrating an impact on protein function has been reported. ClinVar contains an entry for this variant (Variation ID: 318406). Based on the evidence outlined above, the variant was classified as uncertain significance.

Illumina Laboratory Services, Illumina
Classification: Uncertain significance for Interstitial lung disease due to ABCA3 deficiency. Last evaluated: 2018-01-13. Review status: criteria provided, single submitter. Criteria: ICSL Variant Classification Criteria 13 December 2019. Collection method: clinical testing. Allele origin: germline.

Literature cited by the submitters: PubMed 33708521 (cited by Women's Health and Genetics/Laboratory Corporation of America, LabCorp).

NM_001089.3(ABCA3):c.3796G>C (p.Glu1266Gln)

Gene: ABCA3 (ATP binding cassette subfamily A member 3; minus strand). Cytogenetic location: 16p13.3.
Variant type: single nucleotide variant.
Coding change: c.3796G>C on transcript NM_001089.3 (MANE Select); coding-DNA position 3796, G replaced by C.
Protein change: p.Glu1266Gln; replaces glutamic acid 1266 with glutamine.
Molecular consequence: missense variant.
Genome position (GRCh38, 1-based): chr16:2,284,345, C>G on the plus strand (G>C on the coding strand, the complement: ABCA3 is on the minus strand). VCF-style: chr16-2284345-C-G. GRCh37 (hg19) VCF-style: chr16-2334346-C-G.
Other names: short protein forms E1266Q.
Identifiers: ClinVar variation 318406 (VCV000318406.6), dbSNP rs778393424, ClinGen allele CA10643165.
Genomic context (GRCh38, chr16:2,284,345, plus strand): 5'-TCTTGCAGTAGTGGGCGGCGACCTCGGAGGAGGTGCAGTACCTCCGCGTCTCGTAGTTCT[C>G]GTAGAAACTGCTGACTGCCATCCCCAGACAGTGGTTGGGCAGCACCAGGAACACGTGATC-3'
Protein context (NP_001080.2, residues 1256-1276): CLGMAVSSFY[Glu1266Gln]NYETRRYCTS